The following is an entry in ClinVar:

NM_182978.4(GNAL):c.271G>A (p.Glu91Lys)

Gene: GNAL (G protein subunit alpha L; plus strand). Cytogenetic location: 18p11.21.
Variant type: single nucleotide variant.
Coding change: c.271G>A on transcript NM_182978.4 (MANE Select); coding-DNA position 271, G replaced by A.
Protein change: p.Glu91Lys; replaces glutamic acid 91 with lysine.
Molecular consequence: missense variant.
Genome position (GRCh38, 1-based): chr18:11,689,834, G>A. VCF-style: chr18-11689834-G-A. GRCh37 (hg19) VCF-style: chr18-11689833-G-A.
Other names: short protein forms E91K.
Identifiers: ClinVar variation 650685 (VCV000650685.7), dbSNP rs760225719, ClinGen allele CA8893796.

ClinVar aggregate classification (germline): Uncertain significance (1 of 4 stars; one submission).

Conditions:
Dystonic disorder. Also called: Dystonia. Identifiers: MedGen C0013421, MONDO:0003441, HP:0001332.

Allele frequency attached by ClinVar (database versions not stated): TOPMed below 0.00001; gnomAD 0.00001; gnomAD exomes 0.00001; ExAC 0.00017.
gnomAD v4.1: 7 of 1,538,520 alleles (0.00045%); highest among the groups gnomAD compares: African/African-American, 0.0071%; no homozygotes.

Submission:

Labcorp Genetics (formerly Invitae), Labcorp
Classification: Uncertain significance for Dystonic disorder. Last evaluated: 2018-12-20. Review status: criteria provided, single submitter. Criteria: Invitae Variant Classification Sherloc (09022015). Collection method: clinical testing. Allele origin: germline.
Comment: In summary, the available evidence is currently insufficient to determine the role of this variant in disease. Therefore, it has been classified as a Variant of Uncertain Significance. Algorithms developed to predict the effect of missense changes on protein structure and function are either unavailable or do not agree on the potential impact of this missense change (SIFT: "Deleterious"; PolyPhen-2: "Possibly Damaging"; Align-GVGD: "Class C0"). This variant has not been reported in the literature in individuals with GNAL-related disease. This variant is present in population databases (rs760225719, ExAC 0.2%). This sequence change replaces glutamic acid with lysine at codon 91 of the GNAL protein (p.Glu91Lys). The glutamic acid residue is weakly conserved and there is a small physicochemical difference between glutamic acid and lysine. The c.271G>A variant occurs in alternate transcript NM_182978.3, which corresponds to position c.-61975G>A in NM_001142339.2, the primary transcript listed in the Methods.